The following is an entry in ClinVar:

ClinVar aggregate classification (germline): Uncertain significance (1 of 4 stars; one submission).

Conditions:
Melnick-Fraser syndrome (BOR). Also called: Branchiootorenal syndrome; Branchio-oto-renal syndrome; Branchiootorenal Syndrome (BORS). Identifiers: Orphanet 107, MedGen C0265234, MONDO:0007029.

Submission:

Labcorp Genetics (formerly Invitae), Labcorp
Classification: Uncertain significance for Melnick-Fraser syndrome. Last evaluated: 2026-01-26. Review status: criteria provided, single submitter. Criteria: Invitae Variant Classification Sherloc (09022015). Collection method: clinical testing. Allele origin: germline.
Comment: This sequence change replaces glycine, which is neutral and non-polar, with aspartic acid, which is acidic and polar, at codon 39 of the EYA1 protein (p.Gly39Asp). This variant is not present in population databases (gnomAD no frequency). This variant has not been reported in the literature in individuals affected with EYA1-related conditions. Invitae Evidence Modeling of protein sequence and biophysical properties (such as structural, functional, and spatial information, amino acid conservation, physicochemical variation, residue mobility, and thermodynamic stability) has been performed for this missense variant. However, the output from this modeling did not meet the statistical confidence thresholds required to predict the impact of this variant on EYA1 protein function. In summary, the available evidence is currently insufficient to determine the role of this variant in disease. Therefore, it has been classified as a Variant of Uncertain Significance.

NM_000503.6(EYA1):c.116G>A (p.Gly39Asp)

Gene: EYA1 (EYA transcriptional coactivator and phosphatase 1; minus strand). Cytogenetic location: 8q13.3.
Variant type: single nucleotide variant.
Coding change: c.116G>A on transcript NM_000503.6 (MANE Select); coding-DNA position 116, G replaced by A.
Protein change: p.Gly39Asp; replaces glycine 39 with aspartic acid.
Molecular consequence: missense variant. On other transcripts: 5 prime UTR variant (1).
Genome position (GRCh38, 1-based): chr8:71,354,790, C>T on the plus strand (G>A on the coding strand, the complement: EYA1 is on the minus strand). VCF-style: chr8-71354790-C-T. GRCh37 (hg19) VCF-style: chr8-72267025-C-T.
Other names: c.116G>A, p.Gly39Asp (NM_001288574.2, NM_001370334.1, NM_001370335.1 and 1 more transcripts); c.-169G>A (NM_001288575.2); c.203G>A, p.Gly68Asp (NM_001370333.1, NM_001370336.1, NM_172059.5); short protein forms G39D, G68D.
Identifiers: ClinVar variation 4776054 (VCV004776054.1), dbSNP rs267601985.